The following is an entry in ClinVar:

ClinVar aggregate classification (germline): Uncertain significance (1 of 4 stars; one submission).

Submission:

GeneDx
Classification: Uncertain significance. Last evaluated: 2024-08-19. Review status: criteria provided, single submitter. Criteria: GeneDx Variant Classification Process June 2021. Collection method: clinical testing. Allele origin: germline. Affected: yes.
Comment: Reported in an individual with congenital hearing loss who also had multiple variants in other genes (PMID: 34515852); Not observed at significant frequency in large population cohorts (gnomAD); In silico analysis supports that this missense variant has a deleterious effect on protein structure/function; This variant is associated with the following publications: (PMID: 34515852)

NM_138691.3(TMC1):c.1537G>A (p.Gly513Arg)

Gene: TMC1 (transmembrane channel like 1; plus strand). Cytogenetic location: 9q21.13.
Variant type: single nucleotide variant.
Coding change: c.1537G>A on transcript NM_138691.3 (MANE Select); coding-DNA position 1537, G replaced by A.
Protein change: p.Gly513Arg; replaces glycine 513 with arginine.
Molecular consequence: missense variant.
Genome position (GRCh38, 1-based): chr9:72,792,323, G>A. VCF-style: chr9-72792323-G-A. GRCh37 (hg19) VCF-style: chr9-75407239-G-A.
Other names: short protein forms G513R.
Identifiers: ClinVar variation 1301441 (VCV001301441.3), dbSNP rs2118194289, ClinGen allele CA373507768.